The following is an entry in ClinVar:

ClinVar aggregate classification (germline): Uncertain significance (1 of 4 stars; one submission).

Allele frequency attached by ClinVar (database versions not stated): gnomAD exomes below 0.00001.
gnomAD v4.1: 4 of 1,460,138 alleles (0.00027%); highest among the groups gnomAD compares: East Asian, 0.0031%; no homozygotes.

Submission:

Labcorp Genetics (formerly Invitae), Labcorp
Classification: Uncertain significance. Last evaluated: 2022-03-20. Review status: criteria provided, single submitter. Criteria: Invitae Variant Classification Sherloc (09022015). Collection method: clinical testing. Allele origin: germline.
Comment: This sequence change replaces alanine, which is neutral and non-polar, with threonine, which is neutral and polar, at codon 71 of the GRM6 protein (p.Ala71Thr). The frequency data for this variant in the population databases is considered unreliable, as metrics indicate poor data quality at this position in the gnomAD database. In summary, the available evidence is currently insufficient to determine the role of this variant in disease. Therefore, it has been classified as a Variant of Uncertain Significance. Algorithms developed to predict the effect of missense changes on protein structure and function are either unavailable or do not agree on the potential impact of this missense change (SIFT: "Deleterious"; PolyPhen-2: "Probably Damaging"; Align-GVGD: "Class C0"). This variant has not been reported in the literature in individuals affected with GRM6-related conditions.

NM_000843.4(GRM6):c.211G>A (p.Ala71Thr)

Gene: GRM6 (glutamate metabotropic receptor 6; minus strand). Cytogenetic location: 5q35.3.
Variant type: single nucleotide variant.
Coding change: c.211G>A on transcript NM_000843.4 (MANE Select); coding-DNA position 211, G replaced by A.
Protein change: p.Ala71Thr; replaces alanine 71 with threonine.
Molecular consequence: missense variant.
Genome position (GRCh38, 1-based): chr5:178,994,734, C>T on the plus strand (G>A on the coding strand, the complement: GRM6 is on the minus strand). VCF-style: chr5-178994734-C-T. GRCh37 (hg19) VCF-style: chr5-178421735-C-T.
Other names: short protein forms A71T.
Identifiers: ClinVar variation 2114915 (VCV002114915.4), dbSNP rs1349624080, ClinGen allele CA362436848.